The following is an entry in ClinVar:

NM_015272.5(RPGRIP1L):c.3530G>A (p.Arg1177Gln)

Gene: RPGRIP1L (RPGRIP1 like; minus strand). Cytogenetic location: 16q12.2.
Variant type: single nucleotide variant.
Coding change: c.3530G>A on transcript NM_015272.5 (MANE Select); coding-DNA position 3530, G replaced by A.
Protein change: p.Arg1177Gln; replaces arginine 1177 with glutamine.
Molecular consequence: missense variant.
Genome position (GRCh38, 1-based): chr16:53,619,111, C>T on the plus strand (G>A on the coding strand, the complement: RPGRIP1L is on the minus strand). VCF-style: chr16-53619111-C-T. GRCh37 (hg19) VCF-style: chr16-53653023-C-T.
Other names: c.3290G>A, p.Arg1097Gln (NM_001127897.4); c.3392G>A, p.Arg1131Gln (NM_001308334.3); c.3428G>A, p.Arg1143Gln (NM_001330538.2); c.3530G>A (NM_015272.4); short protein forms R1131Q, R1143Q, R1177Q, R1097Q.
Identifiers: ClinVar variation 1396534 (VCV001396534.6), dbSNP rs754491479, ClinGen allele CA8057264.

ClinVar aggregate classification (germline): Uncertain significance. Review status: criteria provided, single submitter (1 of 4 stars). 2 submissions from 2 submitters: Uncertain significance (1). 1 of the submissions does not count toward it. Last evaluated 2021-08-31.

Conditions:
RPGRIP1L-related disorder. Also called: RPGRIP1L-related condition; RPGRIP1L-related disorders. Identifiers: MedGen CN239416.
Joubert syndrome. Also called: JOUBERT-BOLTSHAUSER SYNDROME; Familial aplasia of the vermis. Identifiers: Orphanet 475, MedGen C5979921, MONDO:0018772.
Meckel-Gruber syndrome. Also called: GRUBER SYNDROME; DYSENCEPHALIA SPLANCHNOCYSTICA; Dysencephalia splachnocystica. Identifiers: Orphanet 564, MedGen C0265215, MONDO:0018921.

Allele frequency attached by ClinVar (database versions not stated): gnomAD exomes below 0.00001 and 0.00001; ExAC 0.00001; gnomAD 0.00001.
gnomAD v4.1: 16 of 1,613,832 alleles (0.00099%); highest among the groups gnomAD compares: Non-Finnish European, 0.0011%; no homozygotes.

Submissions (2):

Labcorp Genetics (formerly Invitae), Labcorp
Classification: Uncertain significance for Joubert syndrome; Meckel-Gruber syndrome. Last evaluated: 2021-08-31. Review status: criteria provided, single submitter. Criteria: Invitae Variant Classification Sherloc (09022015). Collection method: clinical testing. Allele origin: germline.
Comment: This sequence change replaces arginine with glutamine at codon 1177 of the RPGRIP1L protein (p.Arg1177Gln). The arginine residue is highly conserved and there is a small physicochemical difference between arginine and glutamine. This variant is present in population databases (rs754491479, ExAC 0.001%). This variant has not been reported in the literature in individuals affected with RPGRIP1L-related conditions. Algorithms developed to predict the effect of missense changes on protein structure and function (SIFT, PolyPhen-2, Align-GVGD) all suggest that this variant is likely to be tolerated. In summary, the available evidence is currently insufficient to determine the role of this variant in disease. Therefore, it has been classified as a Variant of Uncertain Significance.

PreventionGenetics, part of Exact Sciences
Classification: Uncertain significance for RPGRIP1L-related condition. Last evaluated: 2024-07-21. Review status: no assertion criteria provided. Collection method: clinical testing. Allele origin: germline. Not counted in ClinVar's aggregate classification.
Comment: The RPGRIP1L c.3530G>A variant is predicted to result in the amino acid substitution p.Arg1177Gln. To our knowledge, this variant has not been reported in the literature. This variant is reported in 0.00088% of alleles in individuals of European (Non-Finnish) descent in gnomAD. At this time, the clinical significance of this variant is uncertain due to the absence of conclusive functional and genetic evidence.